The following is an entry in ClinVar:

ClinVar aggregate classification (germline): Pathogenic (1 of 4 stars; one submission).

Conditions:
Familial hemophagocytic lymphohistiocytosis 3 (FHL3). Also called: UNC13D-Related Familial Hemophagocytic Lymphohistiocytosis (UNC13D-fHLH). Identifiers: Orphanet 540, MedGen C1837174, MONDO:0012146, OMIM 608898.

Submission:

Labcorp Genetics (formerly Invitae), Labcorp
Classification: Pathogenic for Familial hemophagocytic lymphohistiocytosis 3. Last evaluated: 2023-02-16. Review status: criteria provided, single submitter. Criteria: Invitae Variant Classification Sherloc (09022015). Collection method: clinical testing. Allele origin: germline.
Comment: This sequence change creates a premature translational stop signal (p.Leu253Thrfs*76) in the UNC13D gene. It is expected to result in an absent or disrupted protein product. Loss-of-function variants in UNC13D are known to be pathogenic (PMID: 14622600). This variant is not present in population databases (gnomAD no frequency). This premature translational stop signal has been observed in individual(s) with hemophagocytic lymphohistiocytosis (PMID: 28353193). This variant is also known as c.756_757insAC. For these reasons, this variant has been classified as Pathogenic.

Literature cited by the submitters: PubMed 14622600; PubMed 28353193.

NM_199242.3(UNC13D):c.755_756dup (p.Leu253fs)

Gene: UNC13D (unc-13 homolog D; minus strand). Cytogenetic location: 17q25.1.
Variant type: Duplication.
Coding change: c.755_756dup on transcript NM_199242.3 (MANE Select); coding-DNA positions 755 to 756, 2 bases duplicated (AC; older notation c.755_756dupAC).
Protein change: p.Leu253fs; shifts the reading frame from leucine 253.
Molecular consequence: frameshift variant.
Genome position (GRCh38, 1-based): chr17:75,840,327-75,840,328, GT duplicated on the plus strand (AC on the coding strand, the reverse complement: UNC13D is on the minus strand). VCF-style (leftmost placement, unchanged base first): chr17-75840326-G-GGT. GRCh37 (hg19) VCF-style: chr17-73836407-G-GGT.
Other names: short protein forms L253fs.
Identifiers: ClinVar variation 2138107 (VCV002138107.4), dbSNP rs2545985344, ClinGen allele CA2580095205.
Genomic context (GRCh38, chr17:75,840,326, plus strand): 5'-GGTCTGGGTAGGTCTCAGTGCGGGGTTCCAGGGGGTACCACTGGTCCTCTCGGCAGCGCA[G>GGT]GTCCTGACAGGCGGGGATGCCCAGCCCGTGAGCGTCAGAACCTCATAGAGTCGGGGCAGC-3'